The following is an entry in ClinVar:

NM_004086.3(COCH):c.1330A>G (p.Thr444Ala)

Genes: COCH (cochlin; plus strand), COCH-AS1 (COCH antisense RNA 1; minus strand). Cytogenetic location: 14q12.
Variant type: single nucleotide variant.
Coding change: c.1330A>G on transcript NM_004086.3 (MANE Select); coding-DNA position 1330, A replaced by G.
Protein change: p.Thr444Ala; replaces threonine 444 with alanine.
Molecular consequence: missense variant. On other transcripts: non-coding transcript variant (1).
Genome position (GRCh38, 1-based): chr14:30,886,165, A>G. VCF-style: chr14-30886165-A-G. GRCh37 (hg19) VCF-style: chr14-31355371-A-G.
Other names: c.1330A>G, p.Thr444Ala (NM_001135058.2); c.1525A>G, p.Thr509Ala (NM_001347720.2); short protein forms T444A, T509A.
Identifiers: ClinVar variation 3608491 (VCV003608491.2).

ClinVar aggregate classification (germline): Uncertain significance (1 of 4 stars; one submission).

gnomAD v4.1: 7 of 1,611,198 alleles (0.00043%); highest among the groups gnomAD compares: Non-Finnish European, 0.00059%; no homozygotes.

Submission:

Labcorp Genetics (formerly Invitae), Labcorp
Classification: Uncertain significance. Last evaluated: 2024-04-25. Review status: criteria provided, single submitter. Criteria: Invitae Variant Classification Sherloc (09022015). Collection method: clinical testing. Allele origin: germline.
Comment: This sequence change replaces threonine, which is neutral and polar, with alanine, which is neutral and non-polar, at codon 444 of the COCH protein (p.Thr444Ala). This variant is present in population databases (rs371248806, gnomAD 0.002%). This variant has not been reported in the literature in individuals affected with COCH-related conditions. Advanced modeling of protein sequence and biophysical properties (such as structural, functional, and spatial information, amino acid conservation, physicochemical variation, residue mobility, and thermodynamic stability) performed at Invitae indicates that this missense variant is expected to disrupt COCH protein function with a positive predictive value of 80%. In summary, the available evidence is currently insufficient to determine the role of this variant in disease. Therefore, it has been classified as a Variant of Uncertain Significance.